The following is an entry in ClinVar:

ClinVar aggregate classification (germline): Uncertain significance (1 of 4 stars; one submission).

Conditions:
Familial focal epilepsy with variable foci (FPEVF). Identifiers: Orphanet 98820, MedGen C1858477, MONDO:0020310.

Submission:

Labcorp Genetics (formerly Invitae), Labcorp
Classification: Uncertain significance for Familial focal epilepsy with variable foci. Last evaluated: 2021-02-17. Review status: criteria provided, single submitter. Criteria: Invitae Variant Classification Sherloc (09022015). Collection method: clinical testing. Allele origin: germline.
Comment: This sequence change replaces proline with arginine at codon 824 of the DEPDC5 protein (p.Pro824Arg). The proline residue is moderately conserved and there is a moderate physicochemical difference between proline and arginine. This variant is not present in population databases (ExAC no frequency). This variant has not been reported in the literature in individuals with DEPDC5-related conditions. Algorithms developed to predict the effect of missense changes on protein structure and function are either unavailable or do not agree on the potential impact of this missense change (SIFT: "Deleterious"; PolyPhen-2: "Not Available"; Align-GVGD: "Class C0"). In summary, the available evidence is currently insufficient to determine the role of this variant in disease. Therefore, it has been classified as a Variant of Uncertain Significance.

NM_001242896.3(DEPDC5):c.2471C>G (p.Pro824Arg)

Gene: DEPDC5 (DEP domain containing 5, GATOR1 subcomplex subunit; plus strand). Cytogenetic location: 22q12.3.
Variant type: single nucleotide variant.
Coding change: c.2471C>G on transcript NM_001242896.3 (MANE Select); coding-DNA position 2471, C replaced by G.
Protein change: p.Pro824Arg; replaces proline 824 with arginine.
Molecular consequence: missense variant. On other transcripts: non-coding transcript variant (5).
Genome position (GRCh38, 1-based): chr22:31,838,801, C>G. VCF-style: chr22-31838801-C-G. GRCh37 (hg19) VCF-style: chr22-32234787-C-G.
Other names: c.2444C>G, p.Pro815Arg (NM_001136029.4, NM_001369903.1, NM_014662.6); c.2237C>G, p.Pro746Arg (NM_001242897.2, NM_001363854.2, NM_001364319.2); c.2471C>G, p.Pro824Arg (NM_001363852.2, NM_001364318.2, NM_001364320.2); c.2387C>G, p.Pro796Arg (NM_001369901.1, NM_001369902.1); short protein forms P815R, P796R, P824R, P746R.
Identifiers: ClinVar variation 1496374 (VCV001496374.8), dbSNP rs2148968635, ClinGen allele CA411287643.